The following is an entry in ClinVar:

ClinVar aggregate classification (germline): Likely benign (1 of 4 stars; one submission).

Allele frequency attached by ClinVar (database versions not stated): TOPMed below 0.00001; gnomAD exomes 0.00001; ExAC 0.00002.
gnomAD v4.1: 8 of 1,614,156 alleles (0.0005%); highest among the groups gnomAD compares: South Asian, 0.0088%; no homozygotes.

Submission:

CeGaT Center for Human Genetics Tuebingen
Classification: Likely benign. Last evaluated: 2023-11-01. Review status: criteria provided, single submitter. Criteria: CeGaT Center For Human Genetics Tuebingen Variant Classification Criteria Version 2. Collection method: clinical testing. Allele origin: germline. Affected: yes. Observed: 1 variant allele.
Comment: PCDHAC2: BP4, BP7

NM_018899.6(PCDHAC2):c.1911G>A (p.Leu637=)

Genes: PCDHA1 (protocadherin alpha 1; plus strand), PCDHA10 (protocadherin alpha 10; plus strand), PCDHA11 (protocadherin alpha 11; plus strand), PCDHA12 (protocadherin alpha 12; plus strand), PCDHA13 (protocadherin alpha 13; plus strand) and 11 more. Cytogenetic location: 5q31.3.
Variant type: single nucleotide variant.
Coding change: c.1911G>A on transcript NM_018899.6 (MANE Select); coding-DNA position 1911, G replaced by A.
Protein change: p.Leu637=; no amino-acid change (leucine 637 retained).
Molecular consequence: synonymous variant. On other transcripts: intron variant (17).
Genome position (GRCh38, 1-based): chr5:140,968,677, G>A. VCF-style: chr5-140968677-G-A. GRCh37 (hg19) VCF-style: chr5-140348262-G-A.
Other names: c.1911G>A, p.Leu637= (NM_031883.3); c.2395-10272G>A (NM_018900.4, NM_018906.3, NM_018909.4 and 3 more transcripts); c.1603-10272G>A (NM_031411.3, NM_031849.3); c.2389-10272G>A (NM_018905.3, NM_018901.4); c.2386-10272G>A (NM_018907.4); c.2353-10272G>A (NM_018908.3); c.2356-10272G>A (NM_018910.3); c.1600-10272G>A (NM_031860.3); and 3 more.
Identifiers: ClinVar variation 2673031 (VCV002673031.23), dbSNP rs781795184, ClinGen allele CA3454323.
Genomic context (GRCh38, chr5:140,968,677, plus strand): 5'-TGCTTGGCTTTTTTACCATCTAGCCCAGACTTCTGACCTGGACCTCTTTAAGGTAGAGCT[G>A]CACACAGGAGAAATTAGGACTACCAGGAAGATGGGAGATGAGAGTGGTAGCACTTTCAAC-3'
Protein context (NP_061722.1, residues 627-647): TSDLDLFKVE[Leu637=]HTGEIRTTRK